The following is an entry in ClinVar:

ClinVar aggregate classification (germline): Likely benign. Review status: criteria provided, multiple submitters, no conflicts (2 of 4 stars). 2 submissions from 2 submitters: Likely benign (2). Last evaluated 2024-08-22.

Conditions:
Familial cancer of breast. Also called: hereditary breast carcinoma; Hereditary breast cancer; BREAST CANCER, FAMILIAL. Identifiers: Orphanet 227535, MedGen C0346153, MONDO:0016419, OMIM 114480. Disease mechanism: loss of function.
Fanconi anemia complementation group J. Also called: BRIP1-Related Fanconi Anemia. Identifiers: Orphanet 84, MedGen C1836860, MONDO:0012187, OMIM 609054.

Submissions (2):

Myriad Genetics, Inc.
Classification: Likely benign for Familial cancer of breast. Last evaluated: 2024-08-22. Review status: criteria provided, single submitter. Criteria: Myriad Autosomal Dominant, Autosomal Recessive and X-Linked Classification Criteria (2023). Collection method: clinical testing. Allele origin: unknown.
Comment: This variant is considered likely benign. This variant is intronic and is not expected to impact mRNA splicing.

Labcorp Genetics (formerly Invitae), Labcorp
Classification: Likely benign for Familial cancer of breast; Fanconi anemia complementation group J. Last evaluated: 2022-01-23. Review status: criteria provided, single submitter. Criteria: Invitae Variant Classification Sherloc (09022015). Collection method: clinical testing. Allele origin: germline.

NM_032043.3(BRIP1):c.919-16G>T

Gene: BRIP1 (BRCA1 interacting DNA helicase 1; minus strand). Cytogenetic location: 17q23.2.
Variant type: single nucleotide variant.
Coding change: c.919-16G>T on transcript NM_032043.3 (MANE Select); 16 bases into the intron before coding-DNA position 919, G replaced by T.
Molecular consequence: intron variant.
Genome position (GRCh38, 1-based): chr17:61,801,490, C>A on the plus strand (G>T on the coding strand, the complement: BRIP1 is on the minus strand). VCF-style: chr17-61801490-C-A. GRCh37 (hg19) VCF-style: chr17-59878851-C-A.
Identifiers: ClinVar variation 2089192 (VCV002089192.5), dbSNP rs2145343504, ClinGen allele CA2580094646.